The following is an entry in ClinVar:

NM_022089.4(ATP13A2):c.2530-3C>T

Gene: ATP13A2 (ATPase cation transporting 13A2; minus strand). Cytogenetic location: 1p36.13.
Variant type: single nucleotide variant.
Coding change: c.2530-3C>T on transcript NM_022089.4 (MANE Select); 3 bases into the intron before coding-DNA position 2530, C replaced by T.
Molecular consequence: intron variant.
Genome position (GRCh38, 1-based): chr1:16,989,773, G>A on the plus strand (C>T on the coding strand, the complement: ATP13A2 is on the minus strand). VCF-style: chr1-16989773-G-A. GRCh37 (hg19) VCF-style: chr1-17316268-G-A.
Other names: c.2398-3C>T (NM_001141974.3); c.2515-3C>T (NM_001141973.3).
Identifiers: ClinVar variation 1792689 (VCV001792689.2), dbSNP rs375894941, ClinGen allele CA636790.

ClinVar aggregate classification (germline): Uncertain significance (1 of 4 stars; one submission).

Conditions:
Inborn genetic diseases. Identifiers: MedGen C0950123, MeSH D030342.

Allele frequency attached by ClinVar (database versions not stated): gnomAD exomes 0.00001; ExAC 0.00002; ESP Exome Variant Server 0.00008.
gnomAD v4.1: 4 of 1,613,986 alleles (0.00025%); highest among the groups gnomAD compares: Non-Finnish European, 0.00034%; no homozygotes.

Submission:

Ambry Genetics
Classification: Uncertain significance for Inborn genetic diseases. Last evaluated: 2019-12-09. Review status: criteria provided, single submitter. Criteria: Ambry Variant Classification Scheme 2023. Collection method: clinical testing. Allele origin: germline.
Comment: The c.2530-3C>T intronic variant results from a C to T substitution 3 nucleotides upstream from coding exon 23 in the ATP13A2 gene. This nucleotide position is highly conserved in available vertebrate species. Using the BDGP and ESEfinder splice site prediction tools, this alteration is not predicted to have any significant effect on this splice acceptor site; however, direct evidence is unavailable. Since supporting evidence is limited at this time, the clinical significance of this alteration remains unclear.